The following is an entry in ClinVar:

ClinVar aggregate classification (germline): Likely benign. Review status: criteria provided, multiple submitters, no conflicts (2 of 4 stars). 5 submissions from 5 submitters: Likely benign (5). Last evaluated 2026-01-14.

Conditions:
Dyskeratosis congenita. Identifiers: Orphanet 1775, MedGen C0265965, MONDO:0015780.
Idiopathic Pulmonary Fibrosis. Also called: Idiopathic fibrosing alveolitis, chronic form; idiopathic fibrosing alveolitis. Identifiers: Orphanet 2032, MedGen C1800706, MeSH D054990, MONDO:0800504.
Dyskeratosis congenita, autosomal dominant 2. Identifiers: MedGen C3151443, MONDO:0013521, OMIM 613989.

Allele frequency attached by ClinVar (database versions not stated): gnomAD exomes 0.00001 and 0.00003; ExAC 0.00004; ESP Exome Variant Server 0.00008; TOPMed 0.00009; gnomAD 0.00010 and 0.00011; 1000 Genomes Project 30x 0.00062; 1000 Genomes Project 0.00080.

Submissions (5):

Labcorp Genetics (formerly Invitae), Labcorp
Classification: Likely benign for Dyskeratosis congenita, autosomal dominant 2; Idiopathic Pulmonary Fibrosis. Last evaluated: 2026-01-14. Review status: criteria provided, single submitter. Criteria: Invitae Variant Classification Sherloc (09022015). Collection method: clinical testing. Allele origin: germline.

CeGaT Center for Human Genetics Tuebingen
Classification: Likely benign. Last evaluated: 2025-06-01. Review status: criteria provided, single submitter. Criteria: CeGaT Center For Human Genetics Tuebingen Variant Classification Criteria Version 2. Collection method: clinical testing. Allele origin: germline. Affected: yes. Observed: 1 variant allele.
Comment: TERT: BP4, BP7

Blueprint Genetics
Classification: Likely benign. Last evaluated: 2024-08-20. Review status: criteria provided, single submitter. Criteria: ACMG Guidelines, 2015. Collection method: clinical testing. Allele origin: germline.

Ambry Genetics
Classification: Likely benign for Dyskeratosis congenita. Last evaluated: 2022-02-26. Review status: criteria provided, single submitter. Criteria: Ambry Variant Classification Scheme 2023. Collection method: clinical testing. Allele origin: germline.

Sema4
Classification: Likely benign for Dyskeratosis congenita. Last evaluated: 2020-10-22. Review status: criteria provided, single submitter. Criteria: Sema4 Curation Guidelines. Collection method: curation. Allele origin: germline.

NM_198253.3(TERT):c.1656C>T (p.Tyr552=)

Gene: TERT (telomerase reverse transcriptase; minus strand). Cytogenetic location: 5p15.33.
Variant type: single nucleotide variant.
Coding change: c.1656C>T on transcript NM_198253.3 (MANE Select); coding-DNA position 1656, C replaced by T.
Protein change: p.Tyr552=; no amino-acid change (tyrosine 552 retained).
Molecular consequence: synonymous variant. On other transcripts: non-coding transcript variant (2).
Genome position (GRCh38, 1-based): chr5:1,282,542, G>A on the plus strand (C>T on the coding strand, the complement: TERT is on the minus strand). VCF-style: chr5-1282542-G-A. GRCh37 (hg19) VCF-style: chr5-1282657-G-A.
Other names: c.1656C>T, p.Tyr552= (NM_001193376.3).
Identifiers: ClinVar variation 539254 (VCV000539254.24), dbSNP rs143789839, ClinGen allele CA3184789.